The following is an entry in ClinVar:

NM_004380.3(CREBBP):c.314_315del (p.Gly105fs)

Gene: CREBBP (CREB binding lysine acetyltransferase; minus strand). Cytogenetic location: 16p13.3.
Variant type: Deletion.
Coding change: c.314_315del on transcript NM_004380.3 (MANE Select); coding-DNA positions 314 to 315, 2 bases deleted (GG; older notation c.314_315delGG).
Protein change: p.Gly105fs; shifts the reading frame from glycine 105.
Molecular consequence: frameshift variant.
Genome position (GRCh38, 1-based): chr16:3,850,780-3,850,781, CC deleted on the plus strand (GG on the coding strand, the reverse complement: CREBBP is on the minus strand); deleting any 2 consecutive bases within chr16:3,850,780-3,850,782 gives the same sequence; the c. name uses the placement nearest the transcript's 3' end. VCF-style (leftmost placement, unchanged base first): chr16-3850779-GCC-G. GRCh37 (hg19) VCF-style: chr16-3900780-GCC-G.
Other names: c.314_315delGG (NM_004380.2); c.314_315del, p.Gly105fs (NM_001079846.1); short protein forms G105fs.
Identifiers: ClinVar variation 654784 (VCV000654784.6), dbSNP rs1597054430, ClinGen allele CA915949058.

ClinVar aggregate classification (germline): Pathogenic (1 of 4 stars; one submission).

Conditions:
Rubinstein-Taybi syndrome (RSTS). Identifiers: Orphanet 783, MedGen C0035934, MONDO:0019188.

Submission:

Labcorp Genetics (formerly Invitae), Labcorp
Classification: Pathogenic for Rubinstein-Taybi syndrome. Last evaluated: 2018-12-07. Review status: criteria provided, single submitter. Criteria: Invitae Variant Classification Sherloc (09022015). Collection method: clinical testing. Allele origin: germline.
Comment: For these reasons, this variant has been classified as Pathogenic. Loss-of-function variants in CREBBP are known to be pathogenic (PMID: 17052327, 18792986). This variant has not been reported in the literature in individuals with CREBBP-related conditions. This variant is not present in population databases (ExAC no frequency). This sequence change creates a premature translational stop signal (p.Gly105Alafs*6) in the CREBBP gene. It is expected to result in an absent or disrupted protein product.

Literature cited by the submitters: PubMed 17052327; PubMed 18792986.